The following is an entry in ClinVar:

NM_016492.5(RANGRF):c.342A>T (p.Glu114Asp)

Genes: RANGRF (RAN guanine nucleotide release factor; plus strand), SLC25A35 (solute carrier family 25 member 35; minus strand). Cytogenetic location: 17p13.1.
Variant type: single nucleotide variant.
Coding change: c.342A>T on transcript NM_016492.5 (MANE Select); coding-DNA position 342, A replaced by T.
Protein change: p.Glu114Asp; replaces glutamic acid 114 with aspartic acid.
Molecular consequence: missense variant. On other transcripts: 3 prime UTR variant (2), non-coding transcript variant (1), intron variant (1).
Genome position (GRCh38, 1-based): chr17:8,289,405, A>T. VCF-style: chr17-8289405-A-T. GRCh37 (hg19) VCF-style: chr17-8192723-A-T.
Other names: c.342A>T, p.Glu114Asp (NM_001177801.2, NM_001177802.2, NM_001330127.2); c.*78T>A (NM_001320872.2); c.*211T>A (NM_201520.3); c.*42+169T>A (NM_001320871.2); short protein forms E114D.
Identifiers: ClinVar variation 451309 (VCV000451309.6), dbSNP rs746452604, ClinGen allele CA8374389.
Genomic context (GRCh38, chr17:8,289,405, plus strand): 5'-CCTGAGGGGCCGCTGTCAAGAAGCCTGGGTCCTCTCTGGCAAGCAGCAGATAGCTAAGGA[A>T]AACCAGCAGGTGAGGGCCCGAGAGTGTGTAATGTCCTGGAAGGGCGGTAGCGGGGACGCA-3'
Protein context (NP_057576.2, residues 104-124): VLSGKQQIAK[Glu114Asp]NQQVAKDVTL

ClinVar aggregate classification (germline): Uncertain significance. Review status: criteria provided, multiple submitters, no conflicts (2 of 4 stars). 2 submissions from 2 submitters: Uncertain significance (2). Last evaluated 2025-09-07.

Conditions:
Cardiac arrhythmia. Also called: Arrhythmia; Cardiac rhythm disease. Identifiers: MedGen C0003811, MONDO:0007263, HP:0011675.

Allele frequency attached by ClinVar (database versions not stated): gnomAD 0.00001 and 0.00002; TOPMed 0.00002.
gnomAD v4.1: 6 of 1,613,938 alleles (0.00037%); highest among the groups gnomAD compares: African/African-American, 0.0067%; no homozygotes.

Submissions (2):

Labcorp Genetics (formerly Invitae), Labcorp
Classification: Uncertain significance for Cardiac arrhythmia. Last evaluated: 2025-09-07. Review status: criteria provided, single submitter. Criteria: Invitae Variant Classification Sherloc (09022015). Collection method: clinical testing. Allele origin: germline.
Comment: This sequence change replaces glutamic acid, which is acidic and polar, with aspartic acid, which is acidic and polar, at codon 114 of the RANGRF protein (p.Glu114Asp). This variant is present in population databases (rs746452604, gnomAD 0.008%). This variant has not been reported in the literature in individuals affected with RANGRF-related conditions. ClinVar contains an entry for this variant (Variation ID: 451309). An algorithm developed to predict the effect of missense changes on protein structure and function (PolyPhen-2) suggests that this variant is likely to be disruptive. In summary, the available evidence is currently insufficient to determine the role of this variant in disease. Therefore, it has been classified as a Variant of Uncertain Significance.

GeneDx
Classification: Uncertain significance. Last evaluated: 2017-08-17. Review status: criteria provided, single submitter. Criteria: GeneDx Variant Classification (06012015). Collection method: clinical testing. Allele origin: germline. Affected: yes.
Comment: A variant of uncertain significance has been identified in the RANGRF gene. The E114D variant has not been published as pathogenic or been reported as benign to our knowledge. This variant is also not observed at a significant frequency in large population cohorts (Lek et al., 2016; 1000 Genomes Consortium et al., 2015; Exome Variant Server). Although this substitution occurs at a position that is conserved in mammals, E114D is a conservative amino acid substitution, which is not likely to impact secondary protein structure as these residues share similar properties. Additionally, in silico analysis is inconsistent in its predictions as to whether or not the variant is damaging to the protein structure/function.